The following is an entry in ClinVar:

ClinVar aggregate classification (germline): Uncertain significance (1 of 4 stars; one submission).

Allele frequency attached by ClinVar (database versions not stated): ExAC 0.00001; gnomAD exomes 0.00001.
gnomAD v4.1: 7 of 1,613,886 alleles (0.00043%); highest among the groups gnomAD compares: Middle Eastern, 0.017%; no homozygotes.

Submission:

Labcorp Genetics (formerly Invitae), Labcorp
Classification: Uncertain significance. Last evaluated: 2022-08-19. Review status: criteria provided, single submitter. Criteria: Invitae Variant Classification Sherloc (09022015). Collection method: clinical testing. Allele origin: germline.
Comment: This sequence change replaces arginine, which is basic and polar, with glutamine, which is neutral and polar, at codon 193 of the MLC1 protein (p.Arg193Gln). This variant is present in population databases (rs775514234, gnomAD 0.002%). This variant has not been reported in the literature in individuals affected with MLC1-related conditions. Algorithms developed to predict the effect of missense changes on protein structure and function (SIFT, PolyPhen-2, Align-GVGD) all suggest that this variant is likely to be disruptive. Algorithms developed to predict the effect of sequence changes on RNA splicing suggest that this variant may create or strengthen a splice site. In summary, the available evidence is currently insufficient to determine the role of this variant in disease. Therefore, it has been classified as a Variant of Uncertain Significance.

NM_015166.4(MLC1):c.578G>A (p.Arg193Gln)

Gene: MLC1 (modulator of VRAC current 1; minus strand). Cytogenetic location: 22q13.33.
Variant type: single nucleotide variant.
Coding change: c.578G>A on transcript NM_015166.4 (MANE Select); coding-DNA position 578, G replaced by A.
Protein change: p.Arg193Gln; replaces arginine 193 with glutamine.
Molecular consequence: missense variant. On other transcripts: non-coding transcript variant (3).
Genome position (GRCh38, 1-based): chr22:50,076,860, C>T on the plus strand (G>A on the coding strand, the complement: MLC1 is on the minus strand). VCF-style: chr22-50076860-C-T. GRCh37 (hg19) VCF-style: chr22-50515289-C-T.
Other names: c.578G>A, p.Arg193Gln (NM_001376472.1, NM_001376473.1, NM_001376474.1 and 6 more transcripts); c.488G>A, p.Arg163Gln (NM_001376480.1); c.476G>A, p.Arg159Gln (NM_001376481.1); c.422G>A, p.Arg141Gln (NM_001376482.1, NM_001376483.1); c.341G>A, p.Arg114Gln (NM_001376484.1); short protein forms R193Q, R141Q, R163Q, R159Q, R114Q.
Identifiers: ClinVar variation 2176311 (VCV002176311.1), dbSNP rs775514234, ClinGen allele CA10303465.